The following is an entry in ClinVar:

ClinVar aggregate classification (germline): Likely benign (1 of 4 stars; one submission).

Conditions:
Leigh syndrome (NULS). Also called: Leigh's necrotizing encephalopathy; Leigh's disease; Leigh's syndrome; LEIGH SYNDROME, NUCLEAR; Leigh Syndrome (mtDNA deletion); Leigh Disease. Identifiers: Orphanet 506, MedGen C2931891, MONDO:0009723, OMIM 256000.

Submission:

Wong Mito Lab, Molecular and Human Genetics, Baylor College of Medicine
Classification: Likely benign for Leigh syndrome. Last evaluated: 2019-10-17. Review status: criteria provided, single submitter. Criteria: Modified ACMG Guidelines (Unpublished). Collection method: clinical testing. Allele origin: germline.
Comment: The NC_012920.1:m.15380A>G (YP_003024038.1:p.Thr212Ala) variant in MTCYB gene is interpretated to be a Likely Benign variant based on the modified ACMG guidelines (unpublished). This variant meets the following evidence codes: BS1, BP4, BP6

NC_012920.1(MT-CYB):m.15380A>G

Gene: MT-CYB (mitochondrially encoded cytochrome b; plus strand).
Variant type: single nucleotide variant.
Genome position: chrM-15380-A-G.
Identifiers: ClinVar variation 693873 (VCV000693873.1), dbSNP rs1603225250, ClinGen allele CA913173710.